The following is an entry in ClinVar:

NM_002474.3(MYH11):c.4609C>T (p.Leu1537=)

Genes: MYH11 (myosin heavy chain 11; minus strand), NDE1 (nudE neurodevelopment protein 1; plus strand). Cytogenetic location: 16p13.11.
Variant type: single nucleotide variant.
Coding change: c.4609C>T on transcript NM_002474.3 (MANE Select); coding-DNA position 4609, C replaced by T.
Protein change: p.Leu1537=; no amino-acid change (leucine 1537 retained).
Molecular consequence: synonymous variant. On other transcripts: intron variant (2).
Genome position (GRCh38, 1-based): chr16:15,721,021, G>A on the plus strand (C>T on the coding strand, the complement: MYH11 is on the minus strand). VCF-style: chr16-15721021-G-A. GRCh37 (hg19) VCF-style: chr16-15814878-G-A.
Other names: c.4630C>T, p.Leu1544= (NM_001040113.2, NM_001040114.2); c.4609C>T, p.Leu1537= (NM_022844.3); c.948-3170G>A (NM_001143979.2, NM_017668.3).
Identifiers: ClinVar variation 2087932 (VCV002087932.5), dbSNP rs2506121392, ClinGen allele CA494087813.

ClinVar aggregate classification (germline): Likely benign. Review status: criteria provided, multiple submitters, no conflicts (2 of 4 stars). 2 submissions from 2 submitters: Likely benign (2). Last evaluated 2024-03-25.

Conditions:
Familial thoracic aortic aneurysm and aortic dissection (TAAD). Also called: Thoracic aortic aneurysms and dissections. Identifiers: Orphanet 91387, MedGen C4707243, MONDO:0019625.
Aortic aneurysm, familial thoracic 4 (AAT4). Also called: AORTIC ANEURYSM/AORTIC DISSECTION AND PATENT DUCTUS ARTERIOSUS. Identifiers: MedGen C1851504, MONDO:0007568, OMIM 132900.

Allele frequency attached by ClinVar (database versions not stated): gnomAD exomes below 0.00001.
gnomAD v4.1: 1 of 1,613,960 alleles (0.000062%); highest among the groups gnomAD compares: Non-Finnish European, 0.000085%; no homozygotes.

Submissions (2):

All of Us Research Program, National Institutes of Health
Classification: Likely benign for Familial thoracic aortic aneurysm and aortic dissection. Last evaluated: 2024-03-25. Review status: criteria provided, single submitter. Criteria: ACMG Guidelines, 2015. Collection method: clinical testing. Allele origin: germline. Inheritance: Autosomal dominant inheritance. Observed: 1 variant allele, 1 heterozygote.
Comment: This study involves interpretation of variants in research participants for the purpose of population health screening. Participant phenotype was not available at the time of variant classification. Additional details can be found in publication PMID: 35346344, PMCID: PMC8962531

Labcorp Genetics (formerly Invitae), Labcorp
Classification: Likely benign for Aortic aneurysm, familial thoracic 4. Last evaluated: 2022-01-19. Review status: criteria provided, single submitter. Criteria: Invitae Variant Classification Sherloc (09022015). Collection method: clinical testing. Allele origin: germline.